The following is an entry in ClinVar:

NM_004036.5(ADCY3):c.956+5G>A

Gene: ADCY3 (adenylate cyclase 3; minus strand). Cytogenetic location: 2p23.3.
Variant type: single nucleotide variant.
Coding change: c.956+5G>A on transcript NM_004036.5 (MANE Select); 5 bases into the intron after coding-DNA position 956, G replaced by A.
Molecular consequence: intron variant.
Genome position (GRCh38, 1-based): chr2:24,842,249, C>T on the plus strand (G>A on the coding strand, the complement: ADCY3 is on the minus strand). VCF-style: chr2-24842249-C-T. GRCh37 (hg19) VCF-style: chr2-25065118-C-T.
Other names: c.956+5G>A (NM_001377130.1, NM_001377129.1, NM_001320613.2 and 2 more transcripts); c.233+5G>A (NM_001377131.1).
Identifiers: ClinVar variation 3352155 (VCV003352155.1).

ClinVar aggregate classification (germline): Likely benign (0 of 4 stars; one submission).

Conditions:
ADCY3-related disorder. Also called: ADCY3-related condition.

Submission:

PreventionGenetics, part of Exact Sciences
Classification: Likely benign for ADCY3-related condition. Last evaluated: 2023-08-01. Review status: no assertion criteria provided. Collection method: clinical testing. Allele origin: germline.
Comment: This variant is classified as likely benign based on ACMG/AMP sequence variant interpretation guidelines (Richards et al. 2015 PMID: 25741868, with internal and published modifications).